The following is an entry in ClinVar:

NM_130839.5(UBE3A):c.601G>A (p.Glu201Lys)

Genes: SNHG14 (small nucleolar RNA host gene 14; plus strand), UBE3A (ubiquitin protein ligase E3A; minus strand). Cytogenetic location: 15q11.2.
Variant type: single nucleotide variant.
Coding change: c.601G>A on transcript NM_130839.5 (MANE Select); coding-DNA position 601, G replaced by A.
Protein change: p.Glu201Lys; replaces glutamic acid 201 with lysine.
Molecular consequence: missense variant. On other transcripts: non-coding transcript variant (1), intron variant (2).
Genome position (GRCh38, 1-based): chr15:25,371,573, C>T on the plus strand (G>A on the coding strand, the complement: UBE3A is on the minus strand). VCF-style: chr15-25371573-C-T. GRCh37 (hg19) VCF-style: chr15-25616720-C-T.
Other names: c.610G>A, p.Glu204Lys (NM_000462.5); c.601G>A, p.Glu201Lys (NM_001354505.1, NM_001354538.2, NM_001354545.2); c.541G>A, p.Glu181Lys (NM_001354506.2, NM_001354507.2, NM_001354508.2 and 17 more transcripts); c.301+3892G>A (NM_001354551.2); c.361+3892G>A (NM_001354550.2); c.424G>A, p.Glu142Lys (NM_001354546.2); short protein forms E142K, E181K, E201K, E204K.
Identifiers: ClinVar variation 2632727 (VCV002632727.1), dbSNP rs2552191775, ClinGen allele CA391355482.

ClinVar aggregate classification (germline): Uncertain significance (1 of 4 stars; one submission).

Conditions:
UBE3A-related disorder. Also called: UBE3A-related condition.

Submission:

PreventionGenetics, part of Exact Sciences
Classification: Uncertain significance for UBE3A-related condition. Last evaluated: 2023-07-27. Review status: criteria provided, single submitter. Criteria: ACMG Guidelines, 2015. Collection method: clinical testing. Allele origin: germline.
Comment: The UBE3A c.541G>A variant is predicted to result in the amino acid substitution p.Glu181Lys. To our knowledge, this variant has not been reported in the literature or in a large population database, indicating this variant is rare. At this time, the clinical significance of this variant is uncertain due to the absence of conclusive functional and genetic evidence.